The following is an entry in ClinVar:

ClinVar aggregate classification (germline): Uncertain significance (1 of 4 stars; one submission).

Conditions:
Tall stature-scoliosis-macrodactyly of the great toes syndrome. Also called: Epiphyseal chondrodysplasia, miura type. Identifiers: Orphanet 329191, MedGen C4014690, MONDO:0014401, OMIM 615923.
Acromesomelic dysplasia 1, Maroteaux type (AMD1). Also called: ACROMESOMELIC DYSPLASIA 1; ST. HELENA DYSPLASIA. Identifiers: Orphanet 40, MedGen C1864356, MONDO:0011275, OMIM 602875.

Submission:

Labcorp Genetics (formerly Invitae), Labcorp
Classification: Uncertain significance for Tall stature-scoliosis-macrodactyly of the great toes syndrome; Acromesomelic dysplasia 1, Maroteaux type. Last evaluated: 2025-05-11. Review status: criteria provided, single submitter. Criteria: Invitae Variant Classification Sherloc (09022015). Collection method: clinical testing. Allele origin: germline.
Comment: This sequence change replaces glycine, which is neutral and non-polar, with arginine, which is basic and polar, at codon 525 of the NPR2 protein (p.Gly525Arg). This variant is not present in population databases (gnomAD no frequency). This variant has not been reported in the literature in individuals affected with NPR2-related conditions. Invitae Evidence Modeling of protein sequence and biophysical properties (such as structural, functional, and spatial information, amino acid conservation, physicochemical variation, residue mobility, and thermodynamic stability) indicates that this missense variant is not expected to disrupt NPR2 protein function with a negative predictive value of 80%. In summary, the available evidence is currently insufficient to determine the role of this variant in disease. Therefore, it has been classified as a Variant of Uncertain Significance.

NM_003995.4(NPR2):c.1573G>C (p.Gly525Arg)

Gene: NPR2 (natriuretic peptide receptor 2; plus strand). Cytogenetic location: 9p13.3.
Variant type: single nucleotide variant.
Coding change: c.1573G>C on transcript NM_003995.4 (MANE Select); coding-DNA position 1573, G replaced by C.
Protein change: p.Gly525Arg; replaces glycine 525 with arginine.
Molecular consequence: missense variant.
Genome position (GRCh38, 1-based): chr9:35,801,941, G>C. VCF-style: chr9-35801941-G-C. GRCh37 (hg19) VCF-style: chr9-35801938-G-C.
Other names: c.1582G>C, p.Gly528Arg (NM_001378923.1); short protein forms G525R, G528R.
Identifiers: ClinVar variation 4782532 (VCV004782532.1).